The following is an entry in ClinVar:

NM_001278064.2(GRM1):c.2180T>C (p.Met727Thr)

Gene: GRM1 (glutamate metabotropic receptor 1; plus strand). Cytogenetic location: 6q24.3.
Variant type: single nucleotide variant.
Coding change: c.2180T>C on transcript NM_001278064.2 (MANE Select); coding-DNA position 2180, T replaced by C.
Protein change: p.Met727Thr; replaces methionine 727 with threonine.
Molecular consequence: missense variant.
Genome position (GRCh38, 1-based): chr6:146,399,219, T>C. VCF-style: chr6-146399219-T-C. GRCh37 (hg19) VCF-style: chr6-146720355-T-C.
Other names: c.2180T>C, p.Met727Thr (NM_001278065.2, NM_001278066.1, NM_001278067.1); short protein forms M727T.
Identifiers: ClinVar variation 2196651 (VCV002196651.4), dbSNP rs776096945, ClinGen allele CA4037423.
Genomic context (GRCh38, chr6:146,399,219, plus strand): 5'-TGATCATTGCCTCAATTCTGATTAGTGTGCAACTAACCCTGGTGGTAACCCTGATCATCA[T>C]GGAACCCCCTATGCCCATTCTGTCCTACCCAAGTATCAAGGAAGTCTACCTTATCTGCAA-3'
Protein context (NP_001264993.1, residues 717-737): QLTLVVTLII[Met727Thr]EPPMPILSYP

ClinVar aggregate classification (germline): Uncertain significance (1 of 4 stars; one submission).

Allele frequency attached by ClinVar (database versions not stated): gnomAD 0.00001; gnomAD exomes 0.00001; TOPMed 0.00001; ExAC 0.00002.
gnomAD v4.1: 18 of 1,613,968 alleles (0.0011%); highest among the groups gnomAD compares: Admixed American, 0.022%; no homozygotes.

Submission:

Labcorp Genetics (formerly Invitae), Labcorp
Classification: Uncertain significance. Last evaluated: 2025-09-15. Review status: criteria provided, single submitter. Criteria: Invitae Variant Classification Sherloc (09022015). Collection method: clinical testing. Allele origin: germline.
Comment: This sequence change replaces methionine, which is neutral and non-polar, with threonine, which is neutral and polar, at codon 727 of the GRM1 protein (p.Met727Thr). This variant is present in population databases (rs776096945, gnomAD 0.03%). This variant has not been reported in the literature in individuals affected with GRM1-related conditions. ClinVar contains an entry for this variant (Variation ID: 2196651). An algorithm developed to predict the effect of missense changes on protein structure and function (PolyPhen-2) suggests that this variant is likely to be disruptive. In summary, the available evidence is currently insufficient to determine the role of this variant in disease. Therefore, it has been classified as a Variant of Uncertain Significance.